The following is an entry in ClinVar:

NM_001205293.3(CACNA1E):c.6647C>T (p.Pro2216Leu)

Gene: CACNA1E (calcium voltage-gated channel subunit alpha1 E; plus strand). Cytogenetic location: 1q25.3.
Variant type: single nucleotide variant.
Coding change: c.6647C>T on transcript NM_001205293.3 (MANE Select); coding-DNA position 6647, C replaced by T.
Protein change: p.Pro2216Leu; replaces proline 2216 with leucine.
Molecular consequence: missense variant.
Genome position (GRCh38, 1-based): chr1:181,798,539, C>T. VCF-style: chr1-181798539-C-T. GRCh37 (hg19) VCF-style: chr1-181767675-C-T.
Other names: c.6518C>T, p.Pro2173Leu (NM_000721.4); c.6461C>T, p.Pro2154Leu (NM_001205294.2); short protein forms P2154L, P2173L, P2216L.
Identifiers: ClinVar variation 1376972 (VCV001376972.6), dbSNP rs1411160654, ClinGen allele CA343845215.

ClinVar aggregate classification (germline): Uncertain significance (1 of 4 stars; one submission).

Allele frequency attached by ClinVar (database versions not stated): gnomAD exomes below 0.00001 and 0.00001; gnomAD 0.00001.
gnomAD v4.1: 8 of 1,613,774 alleles (0.0005%); highest among the groups gnomAD compares: Non-Finnish European, 0.00068%; no homozygotes.

Submission:

Labcorp Genetics (formerly Invitae), Labcorp
Classification: Uncertain significance. Last evaluated: 2021-08-22. Review status: criteria provided, single submitter. Criteria: Invitae Variant Classification Sherloc (09022015). Collection method: clinical testing. Allele origin: germline.
Comment: This sequence change replaces proline with leucine at codon 2173 of the CACNA1E protein (p.Pro2173Leu). The proline residue is weakly conserved and there is a moderate physicochemical difference between proline and leucine. This variant is not present in population databases (ExAC no frequency). This variant has not been reported in the literature in individuals affected with CACNA1E-related conditions. Advanced modeling of protein sequence and biophysical properties (such as structural, functional, and spatial information, amino acid conservation, physicochemical variation, residue mobility, and thermodynamic stability) performed at Invitae indicates that this missense variant is not expected to disrupt CACNA1E protein function. In summary, the available evidence is currently insufficient to determine the role of this variant in disease. Therefore, it has been classified as a Variant of Uncertain Significance.